The following is an entry in ClinVar:

ClinVar aggregate classification (germline): Pathogenic (1 of 4 stars; one submission).

Conditions:
Hereditary cancer-predisposing syndrome. Also called: Neoplastic Syndromes, Hereditary; Tumor predisposition; Hereditary Cancer Syndrome; Hereditary neoplastic syndrome. Identifiers: Orphanet 140162, MedGen C0027672, MeSH D009386, MONDO:0015356.

Submission:

Ambry Genetics
Classification: Pathogenic for Hereditary cancer-predisposing syndrome. Last evaluated: 2026-03-23. Review status: criteria provided, single submitter. Criteria: Ambry Variant Classification Scheme 2023. Collection method: clinical testing. Allele origin: germline.
Comment: The c.5324_5325insTG pathogenic mutation, located in coding exon 10 of the BRCA2 gene, results from an insertion of two nucleotides at position 5324, causing a translational frameshift with a predicted alternate stop codon (p.L1776Dfs*2). This variant is considered to be rare based on population cohorts in the Genome Aggregation Database (gnomAD). This alteration is expected to result in loss of function by premature protein truncation or nonsense-mediated mRNA decay. As such, this alteration is interpreted as a disease-causing mutation.

NM_000059.4(BRCA2):c.5324_5325insTG (p.Leu1776fs)

Gene: BRCA2 (BRCA2 DNA repair associated; plus strand). Cytogenetic location: 13q13.1.
Variant type: Insertion.
Coding change: c.5324_5325insTG on transcript NM_000059.4 (MANE Select); coding-DNA positions 5324 to 5325, TG inserted.
Protein change: p.Leu1776fs; shifts the reading frame from leucine 1776.
Molecular consequence: frameshift variant. On other transcripts: non-coding transcript variant (1), intron variant (2).
Genome position: GRCh38 VCF-style: chr13-32339679-T-TTG. GRCh37 (hg19) VCF-style: chr13-32913816-T-TTG.
Other names: c.5324_5325insTG, p.Leu1776fs (NM_001432077.1, NM_001406719.1, NM_001406720.1); c.1910-4879_1910-4878insTG (NM_001406721.1); c.425-4879_425-4878insTG (NM_001406722.1); short protein forms L1776fs.
Identifiers: ClinVar variation 4867791 (VCV004867791.1).